The following is an entry in ClinVar:

ClinVar aggregate classification (germline): Uncertain significance. Review status: criteria provided, multiple submitters, no conflicts (2 of 4 stars). 2 submissions from 2 submitters: Uncertain significance (2). Last evaluated 2025-05-12.

Conditions:
Cardiomyopathy (CMYO). Also called: Cardiomyopathies. Identifiers: Orphanet 167848, MedGen C0878544, MONDO:0004994, HP:0001638. Inheritance: Various modes of inheritance.
Hypertrophic cardiomyopathy. Also called: HYPERTROPHIC MYOCARDIOPATHY. Identifiers: Orphanet 217569, MedGen C0007194, MeSH D002312, MONDO:0005045, HP:0001639.

Allele frequency attached by ClinVar (database versions not stated): gnomAD exomes below 0.00001; ExAC 0.00001.
gnomAD v4.1: 2 of 1,614,010 alleles (0.00012%); highest among the groups gnomAD compares: East Asian, 0.0045%; no homozygotes.

Submissions (2):

Color Diagnostics, LLC DBA Color Health
Classification: Uncertain significance for Cardiomyopathy. Last evaluated: 2025-05-12. Review status: criteria provided, single submitter. Criteria: ACMG Guidelines, 2015. Collection method: clinical testing. Allele origin: germline.
Comment: This variant causes a G to A nucleotide substitution at the +3 position of intron 28/39 of the MYH7 gene. To our knowledge, functional studies have not been reported for this variant. This variant has not been reported in individuals affected with MYH7-related disorders in the literature. This variant has been identified in 2/251424 chromosomes in the general population by the Genome Aggregation Database (gnomAD). The available evidence is insufficient to determine the role of this variant in disease conclusively. Therefore, this variant is classified as a Variant of Uncertain Significance.

Labcorp Genetics (formerly Invitae), Labcorp
Classification: Uncertain significance for Hypertrophic cardiomyopathy. Last evaluated: 2024-08-29. Review status: criteria provided, single submitter. Criteria: Invitae Variant Classification Sherloc (09022015). Collection method: clinical testing. Allele origin: germline.
Comment: This sequence change falls in intron 28 of the MYH7 gene. It does not directly change the encoded amino acid sequence of the MYH7 protein. It affects a nucleotide within the consensus splice site. This variant is present in population databases (rs747353432, gnomAD 0.01%). This variant has not been reported in the literature in individuals affected with MYH7-related conditions. Variants that disrupt the consensus splice site are a relatively common cause of aberrant splicing (PMID: 17576681, 9536098). Algorithms developed to predict the effect of sequence changes on RNA splicing suggest that this variant is not likely to affect RNA splicing. In summary, the available evidence is currently insufficient to determine the role of this variant in disease. Therefore, it has been classified as a Variant of Uncertain Significance.

Literature cited by the submitters: PubMed 17576681 (cited by Labcorp Genetics (formerly Invitae), Labcorp); PubMed 9536098 (cited by Labcorp Genetics (formerly Invitae), Labcorp).

NM_000257.4(MYH7):c.3853+3G>A

Gene: MYH7 (myosin heavy chain 7; minus strand). Cytogenetic location: 14q11.2.
Variant type: single nucleotide variant.
Coding change: c.3853+3G>A on transcript NM_000257.4 (MANE Select); 3 bases into the intron after coding-DNA position 3853, G replaced by A.
Molecular consequence: intron variant.
Genome position (GRCh38, 1-based): chr14:23,419,480, C>T on the plus strand (G>A on the coding strand, the complement: MYH7 is on the minus strand). VCF-style: chr14-23419480-C-T. GRCh37 (hg19) VCF-style: chr14-23888689-C-T.
Other names: c.3853+3G>A (NM_001407004.1).
Identifiers: ClinVar variation 2912639 (VCV002912639.3), dbSNP rs747353432, ClinGen allele CA039209.